The following is an entry in ClinVar:

ClinVar aggregate classification (germline): Pathogenic (1 of 4 stars; one submission).

Submission:

GeneDx
Classification: Pathogenic. Last evaluated: 2016-08-23. Review status: criteria provided, single submitter. Criteria: GeneDx Variant Classification (06012015). Collection method: clinical testing. Allele origin: germline. Affected: yes.
Comment: The c.2415+1 G>C splice site variant in the SCN1A gene destroys the canonical splice donor site in intron 13. It is predicted to cause abnormal gene splicing, either leading to an abnormal message that is subject to nonsense-mediated mRNA decay, or to an abnormal protein product if the message is used for protein translation. Furthermore, c.2415+1 G>C was not observed in approximately 6,500 individuals of European and African American ancestry in the NHLBI Exome Sequencing Project, indicating it is not a common benign variant in these populations. Although this pathogenic variant has not been previously reported to our knowledge, other splice site variants have been reported in the Human Gene Mutation Database in association with SCN1A-related disorders (Stenson et al., 2014).

NM_001165963.4(SCN1A):c.2415+1G>C

Gene: SCN1A (sodium voltage-gated channel alpha subunit 1; minus strand). Cytogenetic location: 2q24.3.
Variant type: single nucleotide variant.
Coding change: c.2415+1G>C on transcript NM_001165963.4 (MANE Select); the canonical splice donor site of the intron after coding-DNA position 2415, G replaced by C.
Molecular consequence: splice donor variant. On other transcripts: 5 prime UTR variant (1).
Genome position (GRCh38, 1-based): chr2:166,041,230, C>G on the plus strand (G>C on the coding strand, the complement: SCN1A is on the minus strand). VCF-style: chr2-166041230-C-G. GRCh37 (hg19) VCF-style: chr2-166897740-C-G.
Other names: c.-43G>C (NM_001353961.2); c.2382+1G>C (NM_001353949.2, NM_001353950.2, NM_001353951.2 and 2 more transcripts); c.2331+1G>C (NM_001353958.2, NM_001353957.2, NM_001165964.3); c.2415+1G>C (NM_001202435.3, NM_001353948.2); c.2379+1G>C (NM_001353955.2, NM_001353954.2); c.2328+1G>C (NM_001353960.2).
Identifiers: ClinVar variation 279972 (VCV000279972.2), dbSNP rs886041292, ClinGen allele CA10602793.